The following is an entry in ClinVar:

NM_021167.5(GATAD1):c.435+5G>A

Gene: GATAD1 (GATA zinc finger domain containing 1; plus strand). Cytogenetic location: 7q21.2.
Variant type: single nucleotide variant.
Coding change: c.435+5G>A on transcript NM_021167.5 (MANE Select); 5 bases into the intron after coding-DNA position 435, G replaced by A.
Molecular consequence: intron variant.
Genome position (GRCh38, 1-based): chr7:92,450,765, G>A. VCF-style: chr7-92450765-G-A. GRCh37 (hg19) VCF-style: chr7-92080079-G-A.
Identifiers: ClinVar variation 1739931 (VCV001739931.2), dbSNP rs377121457, ClinGen allele CA4340283.
Genomic context (GRCh38, chr7:92,450,765, plus strand): 5'-TCAAAGCTCCTGAGTCAGTTTCCACTATAATCACTGCAGAATCAATCTTCTACAAGGTAA[G>A]CTTTTGTAGAGTTACTGAAGGAAGAGTTGGGCCTAGTGGGTAATGTGCCACTAAAATGTT-3'

ClinVar aggregate classification (germline): Uncertain significance (1 of 4 stars; one submission).

Conditions:
Cardiovascular phenotype. Identifiers: MedGen CN230736.

Allele frequency attached by ClinVar (database versions not stated): ExAC 0.00001; TOPMed 0.00001; ESP Exome Variant Server 0.00008.

Submission:

Ambry Genetics
Classification: Uncertain significance for Cardiovascular phenotype. Last evaluated: 2022-04-29. Review status: criteria provided, single submitter. Criteria: Ambry Variant Classification Scheme 2023. Collection method: clinical testing. Allele origin: germline.
Comment: The c.435+5G>A intronic variant results from a G to A substitution 5 nucleotides after coding exon 3 in the GATAD1 gene. This nucleotide position is not well conserved in available vertebrate species. In silico splice site analysis predicts that this alteration will weaken the native splice donor site. The evidence for this gene-disease relationship is limited; therefore, the clinical significance of this alteration is unclear.